The following is an entry in ClinVar:

ClinVar aggregate classification (germline): Likely pathogenic (1 of 4 stars; one submission).

Conditions:
Deficiency of butyryl-CoA dehydrogenase (ACADSD). Also called: SCADH DEFICIENCY; SCAD DEFICIENCY, MILD; ACYL-CoA DEHYDROGENASE, SHORT-CHAIN, DEFICIENCY OF; Short-Chain Acyl-CoA Dehydrogenase Deficiency; SCAD Deficiency; ACADS DEFICIENCY. Identifiers: Orphanet 26792, MedGen C0342783, MONDO:0008722, OMIM 201470. Disease mechanism: May be benign.

Submission:

Myriad Genetics, Inc.
Classification: Likely pathogenic for Deficiency of butyryl-CoA dehydrogenase. Last evaluated: 2022-01-24. Review status: criteria provided, single submitter. Criteria: Myriad Women's Health Autosomal Recessive and X-Linked Classification Criteria (2021). Collection method: clinical testing. Allele origin: unknown.
Comment: NM_000017.2(ACADS):c.872_873delTG(V291Efs*4) is expected to be pathogenic in the context of short-chain acyl-CoA dehydrogenase deficiency. This variant is predicted to lead to an abnormal or absent protein product due to the creation of a premature termination codon in ACADS, a gene where loss-of-function variants are known to be pathogenic. Please note: this variant was assessed in the context of healthy population screening.

NM_000017.4(ACADS):c.872_873del (p.Val291fs)

Gene: ACADS (acyl-CoA dehydrogenase short chain; plus strand). Cytogenetic location: 12q24.31.
Variant type: Microsatellite.
Coding change: c.872_873del on transcript NM_000017.4 (MANE Select); coding-DNA positions 872 to 873, 2 bases deleted (TG; older notation c.872_873delTG).
Protein change: p.Val291fs; shifts the reading frame from valine 291.
Molecular consequence: frameshift variant.
Genome position (GRCh38, 1-based): chr12:120,738,609-120,738,610, TG deleted; deleting any 2 consecutive bases within chr12:120,738,607-120,738,610 gives the same sequence; the c. name uses the placement nearest the transcript's 3' end. VCF-style (leftmost placement, unchanged base first): chr12-120738606-CTG-C. GRCh37 (hg19) VCF-style: chr12-121176409-CTG-C.
Other names: c.860_861del, p.Val287fs (NM_001302554.2); short protein forms V287fs, V291fs.
Identifiers: ClinVar variation 1726443 (VCV001726443.2), dbSNP rs2501198105, ClinGen allele CA2580614578.